The following is an entry in ClinVar:

NM_015650.4(TRAF3IP1):c.435A>T (p.Arg145Ser)

Gene: TRAF3IP1 (TRAF3 interacting protein 1; plus strand). Cytogenetic location: 2q37.3.
Variant type: single nucleotide variant.
Coding change: c.435A>T on transcript NM_015650.4 (MANE Select); coding-DNA position 435, A replaced by T.
Protein change: p.Arg145Ser; replaces arginine 145 with serine.
Molecular consequence: missense variant.
Genome position (GRCh38, 1-based): chr2:238,328,766, A>T. VCF-style: chr2-238328766-A-T. GRCh37 (hg19) VCF-style: chr2-239237407-A-T.
Other names: c.435A>T, p.Arg145Ser (NM_001139490.1); short protein forms R145S.
Identifiers: ClinVar variation 3017908 (VCV003017908.3), dbSNP rs774290330, ClinGen allele CA2198062.

ClinVar aggregate classification (germline): Uncertain significance (1 of 4 stars; one submission).

Allele frequency attached by ClinVar (database versions not stated): TOPMed below 0.00001; ExAC 0.00001; gnomAD exomes 0.00001.
gnomAD v4.1: 6 of 1,614,068 alleles (0.00037%); highest among the groups gnomAD compares: Admixed American, 0.0033%; no homozygotes.

Submission:

Labcorp Genetics (formerly Invitae), Labcorp
Classification: Uncertain significance. Last evaluated: 2023-12-21. Review status: criteria provided, single submitter. Criteria: Invitae Variant Classification Sherloc (09022015). Collection method: clinical testing. Allele origin: germline.
Comment: This sequence change replaces arginine, which is basic and polar, with serine, which is neutral and polar, at codon 145 of the TRAF3IP1 protein (p.Arg145Ser). This variant is present in population databases (rs774290330, gnomAD 0.006%). This variant has not been reported in the literature in individuals affected with TRAF3IP1-related conditions. Advanced modeling of protein sequence and biophysical properties (such as structural, functional, and spatial information, amino acid conservation, physicochemical variation, residue mobility, and thermodynamic stability) performed at Invitae indicates that this missense variant is not expected to disrupt TRAF3IP1 protein function with a negative predictive value of 80%. In summary, the available evidence is currently insufficient to determine the role of this variant in disease. Therefore, it has been classified as a Variant of Uncertain Significance.